The following is an entry in ClinVar:

NM_000036.3(AMPD1):c.2033A>G (p.Asp678Gly)

Gene: AMPD1 (adenosine monophosphate deaminase 1; minus strand). Cytogenetic location: 1p13.2.
Variant type: single nucleotide variant.
Coding change: c.2033A>G on transcript NM_000036.3 (MANE Select); coding-DNA position 2033, A replaced by G.
Protein change: p.Asp678Gly; replaces aspartic acid 678 with glycine.
Molecular consequence: missense variant.
Genome position (GRCh38, 1-based): chr1:114,673,691, T>C on the plus strand (A>G on the coding strand, the complement: AMPD1 is on the minus strand). VCF-style: chr1-114673691-T-C. GRCh37 (hg19) VCF-style: chr1-115216312-T-C.
Other names: c.2021A>G, p.Asp674Gly (NM_001172626.2); short protein forms D674G, D678G.
Identifiers: ClinVar variation 1482197 (VCV001482197.8), dbSNP rs2101710015, ClinGen allele CA341743850.

ClinVar aggregate classification (germline): Uncertain significance (1 of 4 stars; one submission).

Conditions:
Muscle AMP deaminase deficiency (MMDD). Also called: Myoadenylate deaminase deficiency, myopathy due to; Adenosine monophosphate deaminase 1 deficiency; AMP deaminase 1 deficiency; Adenosine Monophosphate Deaminase 1; ADENOSINE MONOPHOSPHATE DEAMINASE-1 DEFICIENCY, MYOPATHY DUE TO; AMPD1 DEFICIENCY. Identifiers: Orphanet 45, MedGen C3714933, MONDO:0014220, OMIM 615511.

Allele frequency attached by ClinVar (database versions not stated): gnomAD exomes below 0.00001.
gnomAD v4.1: 3 of 1,614,156 alleles (0.00019%); highest among the groups gnomAD compares: Non-Finnish European, 0.00025%; no homozygotes.

Submission:

Labcorp Genetics (formerly Invitae), Labcorp
Classification: Uncertain significance for Muscle AMP deaminase deficiency. Last evaluated: 2023-10-13. Review status: criteria provided, single submitter. Criteria: Invitae Variant Classification Sherloc (09022015). Collection method: clinical testing. Allele origin: germline.
Comment: This sequence change replaces aspartic acid, which is acidic and polar, with glycine, which is neutral and non-polar, at codon 711 of the AMPD1 protein (p.Asp711Gly). This variant is not present in population databases (gnomAD no frequency). This variant has not been reported in the literature in individuals affected with AMPD1-related conditions. ClinVar contains an entry for this variant (Variation ID: 1482197). An algorithm developed to predict the effect of missense changes on protein structure and function (PolyPhen-2) suggests that this variant is likely to be disruptive. Algorithms developed to predict the effect of sequence changes on RNA splicing suggest that this variant may create or strengthen a splice site. In summary, the available evidence is currently insufficient to determine the role of this variant in disease. Therefore, it has been classified as a Variant of Uncertain Significance.